The following is an entry in ClinVar:

ClinVar aggregate classification (germline): Uncertain significance (1 of 4 stars; one submission).

Conditions:
Hereditary cancer-predisposing syndrome. Also called: Neoplastic Syndromes, Hereditary; Hereditary neoplastic syndrome; Tumor predisposition; Hereditary Cancer Syndrome. Identifiers: Orphanet 140162, MedGen C0027672, MeSH D009386, MONDO:0015356.

gnomAD v4.1: 2 of 1,614,230 alleles (0.00012%); highest among the groups gnomAD compares: Non-Finnish European, 0.00017%; no homozygotes.

Submission:

Ambry Genetics
Classification: Uncertain significance for Hereditary cancer-predisposing syndrome. Last evaluated: 2026-02-04. Review status: criteria provided, single submitter. Criteria: Ambry Variant Classification Scheme 2023. Collection method: clinical testing. Allele origin: germline.
Comment: The p.Y1225F variant (also known as c.3674A>T), located in coding exon 20 of the DICER1 gene, results from an A to T substitution at nucleotide position 3674. The tyrosine at codon 1225 is replaced by phenylalanine, an amino acid with highly similar properties. This amino acid position is not well conserved in available vertebrate species. In addition, this alteration is predicted to be tolerated by in silico analysis. Based on the available evidence, the clinical significance of this variant remains unclear.

NM_177438.3(DICER1):c.3674A>T (p.Tyr1225Phe)

Gene: DICER1 (dicer 1, ribonuclease III; minus strand). Cytogenetic location: 14q32.13.
Variant type: single nucleotide variant.
Coding change: c.3674A>T on transcript NM_177438.3 (MANE Select); coding-DNA position 3674, A replaced by T.
Protein change: p.Tyr1225Phe; replaces tyrosine 1225 with phenylalanine.
Molecular consequence: missense variant. On other transcripts: non-coding transcript variant (6).
Genome position (GRCh38, 1-based): chr14:95,103,722, T>A on the plus strand (A>T on the coding strand, the complement: DICER1 is on the minus strand). VCF-style: chr14-95103722-T-A. GRCh37 (hg19) VCF-style: chr14-95570059-T-A.
Other names: c.3674A>T, p.Tyr1225Phe (NM_001195573.1, NM_001271282.3, NM_001291628.2 and 12 more transcripts); c.3392A>T, p.Tyr1131Phe (NM_001395686.1); c.3269A>T, p.Tyr1090Phe (NM_001395687.1, NM_001395688.1, NM_001395689.1 and 2 more transcripts); c.3107A>T, p.Tyr1036Phe (NM_001395691.1); c.1991A>T, p.Tyr664Phe (NM_001395697.1); short protein forms Y664F, Y1090F, Y1131F, Y1225F, Y1036F.
Identifiers: ClinVar variation 4824643 (VCV004824643.1).